The following is an entry in ClinVar:

ClinVar aggregate classification (germline): Uncertain significance. Review status: criteria provided, multiple submitters, no conflicts (2 of 4 stars). 3 submissions from 3 submitters: Uncertain significance (3). Last evaluated 2025-08-15.

Conditions:
Fraser syndrome 1 (FRASRS1). Also called: CRYPTOPHTHALMOS WITH OTHER MALFORMATIONS. Identifiers: Orphanet 2052, MedGen C4551480, MONDO:0054737, OMIM 219000.

Allele frequency attached by ClinVar (database versions not stated): TOPMed 0.00002; gnomAD 0.00005; ExAC 0.00007.
gnomAD v4.1: 58 of 1,613,856 alleles (0.0036%); highest among the groups gnomAD compares: Admixed American, 0.005%; no homozygotes.

Submissions (3):

Labcorp Genetics (formerly Invitae), Labcorp
Classification: Uncertain significance. Last evaluated: 2025-08-15. Review status: criteria provided, single submitter. Criteria: Invitae Variant Classification Sherloc (09022015). Collection method: clinical testing. Allele origin: germline.
Comment: This sequence change replaces arginine, which is basic and polar, with tryptophan, which is neutral and slightly polar, at codon 3052 of the FRAS1 protein (p.Arg3052Trp). This variant is present in population databases (rs779931297, gnomAD 0.01%). This variant has not been reported in the literature in individuals affected with FRAS1-related conditions. ClinVar contains an entry for this variant (Variation ID: 349780). Invitae Evidence Modeling of protein sequence and biophysical properties (such as structural, functional, and spatial information, amino acid conservation, physicochemical variation, residue mobility, and thermodynamic stability) indicates that this missense variant is expected to disrupt FRAS1 protein function with a positive predictive value of 80%. In summary, the available evidence is currently insufficient to determine the role of this variant in disease. Therefore, it has been classified as a Variant of Uncertain Significance.

Fulgent Genetics
Classification: Uncertain significance for Fraser syndrome 1. Last evaluated: 2022-01-05. Review status: criteria provided, single submitter. Criteria: ACMG Guidelines, 2015. Collection method: clinical testing. Allele origin: unknown.

Illumina Laboratory Services, Illumina
Classification: Uncertain significance for Fraser syndrome 1. Last evaluated: 2018-01-12. Review status: criteria provided, single submitter. Criteria: ICSL Variant Classification Criteria 13 December 2019. Collection method: clinical testing. Allele origin: germline.

NM_025074.7(FRAS1):c.9154C>T (p.Arg3052Trp)

Gene: FRAS1 (Fraser extracellular matrix complex subunit 1; plus strand). Cytogenetic location: 4q21.21.
Variant type: single nucleotide variant.
Coding change: c.9154C>T on transcript NM_025074.7 (MANE Select); coding-DNA position 9154, C replaced by T.
Protein change: p.Arg3052Trp; replaces arginine 3052 with tryptophan.
Molecular consequence: missense variant.
Genome position (GRCh38, 1-based): chr4:78,499,759, C>T. VCF-style: chr4-78499759-C-T. GRCh37 (hg19) VCF-style: chr4-79420913-C-T.
Other names: short protein forms R3052W.
Identifiers: ClinVar variation 349780 (VCV000349780.7), dbSNP rs779931297, ClinGen allele CA2978598.